The following is an entry in ClinVar:

ClinVar aggregate classification (germline): Uncertain significance. Review status: criteria provided, multiple submitters, no conflicts (2 of 4 stars). 2 submissions from 2 submitters: Uncertain significance (2). Last evaluated 2025-11-15.

Conditions:
Inborn genetic diseases. Identifiers: MedGen C0950123, MeSH D030342.

Allele frequency attached by ClinVar (database versions not stated): 1000 Genomes Project 0.00020; ExAC 0.00004; 1000 Genomes Project 30x 0.00016; ESP Exome Variant Server 0.00031.
gnomAD v4.1: 40 of 1,614,192 alleles (0.0025%); highest among the groups gnomAD compares: African/African-American, 0.051%; no homozygotes.

Submissions (2):

Labcorp Genetics (formerly Invitae), Labcorp
Classification: Uncertain significance. Last evaluated: 2025-11-15. Review status: criteria provided, single submitter. Criteria: Invitae Variant Classification Sherloc (09022015). Collection method: clinical testing. Allele origin: germline.
Comment: This sequence change replaces glycine, which is neutral and non-polar, with arginine, which is basic and polar, at codon 797 of the BNC2 protein (p.Gly797Arg). This variant is present in population databases (rs146878452, gnomAD 0.03%). This variant has not been reported in the literature in individuals affected with BNC2-related conditions. ClinVar contains an entry for this variant (Variation ID: 3023046). An algorithm developed to predict the effect of missense changes on protein structure and function (PolyPhen-2) suggests that this variant is likely to be disruptive. In summary, the available evidence is currently insufficient to determine the role of this variant in disease. Therefore, it has been classified as a Variant of Uncertain Significance.

Ambry Genetics
Classification: Uncertain significance for Inborn genetic diseases. Last evaluated: 2024-10-22. Review status: criteria provided, single submitter. Criteria: Ambry Variant Classification Scheme 2023. Collection method: clinical testing. Allele origin: germline.

NM_017637.6(BNC2):c.2389G>C (p.Gly797Arg)

Genes: BNC2 (basonuclin zinc finger protein 2; minus strand), LOC126860585 (MED14-independent group 3 enhancer GRCh37_chr9:16435259-16436458; plus strand). Cytogenetic location: 9p22.3.
Variant type: single nucleotide variant.
Coding change: c.2389G>C on transcript NM_017637.6 (MANE Select); coding-DNA position 2389, G replaced by C.
Protein change: p.Gly797Arg; replaces glycine 797 with arginine.
Molecular consequence: missense variant.
Genome position (GRCh38, 1-based): chr9:16,435,805, C>G on the plus strand (G>C on the coding strand, the complement: BNC2 is on the minus strand). VCF-style: chr9-16435805-C-G. GRCh37 (hg19) VCF-style: chr9-16435803-C-G.
Other names: c.2263G>C, p.Gly755Arg (NM_001317939.2); c.2104G>C, p.Gly702Arg (NM_001317940.2); short protein forms G797R, G702R, G755R.
Identifiers: ClinVar variation 3023046 (VCV003023046.4), dbSNP rs146878452, ClinGen allele CA4995891.